The following is an entry in ClinVar:

ClinVar aggregate classification (germline): Uncertain significance (1 of 4 stars; one submission).

Conditions:
Landau-Kleffner syndrome (FESD). Also called: EPILEPSY, FOCAL, WITH SPEECH DISORDER AND WITH OR WITHOUT MENTAL RETARDATION; APHASIA, ACQUIRED, WITH EPILEPSY. Identifiers: Orphanet 1945, Orphanet 725, Orphanet 98818, MedGen C0282512, MONDO:0009509, OMIM 245570.

gnomAD v4.1: 1 of 1,614,154 alleles (0.000062%); highest among the groups gnomAD compares: East Asian, 0.0022%; no homozygotes.

Submission:

Labcorp Genetics (formerly Invitae), Labcorp
Classification: Uncertain significance for Landau-Kleffner syndrome. Last evaluated: 2020-02-23. Review status: criteria provided, single submitter. Criteria: Invitae Variant Classification Sherloc (09022015). Collection method: clinical testing. Allele origin: germline.
Comment: In summary, the available evidence is currently insufficient to determine the role of this variant in disease. Therefore, it has been classified as a Variant of Uncertain Significance. Algorithms developed to predict the effect of missense changes on protein structure and function do not agree on the potential impact of this missense change (SIFT: "Tolerated"; PolyPhen-2: "Probably Damaging"; Align-GVGD: "Class C0"). This variant has not been reported in the literature in individuals with GRIN2A-related disease. This variant is not present in population databases (ExAC no frequency). This sequence change replaces serine with cysteine at codon 1059 of the GRIN2A protein (p.Ser1059Cys). The serine residue is moderately conserved and there is a moderate physicochemical difference between serine and cysteine.

NM_001134407.3(GRIN2A):c.3176C>G (p.Ser1059Cys)

Gene: GRIN2A (glutamate ionotropic receptor NMDA type subunit 2A; minus strand). Cytogenetic location: 16p13.2.
Variant type: single nucleotide variant.
Coding change: c.3176C>G on transcript NM_001134407.3 (MANE Select); coding-DNA position 3176, C replaced by G.
Protein change: p.Ser1059Cys; replaces serine 1059 with cysteine.
Molecular consequence: missense variant.
Genome position (GRCh38, 1-based): chr16:9,764,368, G>C on the plus strand (C>G on the coding strand, the complement: GRIN2A is on the minus strand). VCF-style: chr16-9764368-G-C. GRCh37 (hg19) VCF-style: chr16-9858225-G-C.
Other names: c.3176C>G, p.Ser1059Cys (NM_000833.5, NM_001134408.2); short protein forms S1059C.
Identifiers: ClinVar variation 532708 (VCV000532708.9), dbSNP rs772497745, ClinGen allele CA394708461.